The following is an entry in ClinVar:

ClinVar aggregate classification (germline): VUS-mid (1 of 4 stars; one submission).

Conditions:
Hemolytic uremic syndrome, atypical, susceptibility to, 1. Also called: AHUS, SUSCEPTIBILITY TO, 1. Identifiers: Orphanet 2134, Orphanet 90038, MedGen C2749604, MONDO:0009335, OMIM 235400. Disease mechanism: Other.

gnomAD v4.1: 1 of 1,600,840 alleles (0.000062%); highest among the groups gnomAD compares: Non-Finnish European, 0.000086%; no homozygotes.

Submission:

Clinical Research Development Center, Iran University of Medical Sciences (IUMS)
Classification: VUS-mid for Hemolytic uremic syndrome, atypical, susceptibility to, 1. Last evaluated: 2026-06-28. Review status: criteria provided, single submitter. Criteria: ACMG Guidelines, 2015. Collection method: clinical testing. Allele origin: germline. Affected: yes.
Comment: The c.625T>C variant in CFH gene was absent from large population studies (PM2). It is a missense variant in a gene with low rate of benign missense mutations and for which missense mutation is a common mechanism of a disease (PP2).

Literature cited by the submitters: PubMed 33784485.

NM_000186.4(CFH):c.625T>C (p.Ser209Pro)

Gene: CFH (complement factor H; plus strand). Cytogenetic location: 1q31.3.
Variant type: single nucleotide variant.
Coding change: c.625T>C on transcript NM_000186.4 (MANE Select); coding-DNA position 625, T replaced by C.
Protein change: p.Ser209Pro; replaces serine 209 with proline.
Molecular consequence: missense variant.
Genome position (GRCh38, 1-based): chr1:196,679,628, T>C. VCF-style: chr1-196679628-T-C. GRCh37 (hg19) VCF-style: chr1-196648758-T-C.
Other names: c.625T>C, p.Ser209Pro (NM_001014975.3); short protein forms S209P.
Identifiers: ClinVar variation 4857339 (VCV004857339.1).